The following is an entry in ClinVar:

ClinVar aggregate classification (germline): Likely benign (1 of 4 stars; one submission).

gnomAD v4.1: 3 of 1,604,040 alleles (0.00019%); highest among the groups gnomAD compares: Non-Finnish European, 0.00025%; no homozygotes.

Submission:

CeGaT Center for Human Genetics Tuebingen
Classification: Likely benign. Last evaluated: 2025-12-01. Review status: criteria provided, single submitter. Criteria: CeGaT Center For Human Genetics Tuebingen Variant Classification Criteria Version 2. Collection method: clinical testing. Allele origin: germline. Affected: yes. Observed: 1 variant allele.
Comment: SLC45A1: BP4

NM_001080397.3(SLC45A1):c.1512G>A (p.Glu504=)

Gene: SLC45A1 (solute carrier family 45 member 1; plus strand). Cytogenetic location: 1p36.23.
Variant type: single nucleotide variant.
Coding change: c.1512G>A on transcript NM_001080397.3 (MANE Select); coding-DNA position 1512, G replaced by A.
Protein change: p.Glu504=; no amino-acid change (glutamic acid 504 retained).
Molecular consequence: synonymous variant.
Genome position (GRCh38, 1-based): chr1:8,335,505, G>A. VCF-style: chr1-8335505-G-A. GRCh37 (hg19) VCF-style: chr1-8395565-G-A.
Other names: c.1512G>A, p.Glu504= (NM_001379614.1); c.1419G>A, p.Glu473= (NM_001379615.1, NM_001379616.1); c.906G>A, p.Glu302= (NM_001379617.1, NM_001379618.1).
Identifiers: ClinVar variation 4681644 (VCV004681644.5).